The following is an entry in ClinVar:

ClinVar aggregate classification (germline): Likely benign. Review status: criteria provided, multiple submitters, no conflicts (2 of 4 stars). 12 submissions from 12 submitters: Likely benign (8). 4 of the submissions do not count toward it. Last evaluated 2026-02-01.

Conditions:
APOB-related disorder. Also called: APOB-related condition; APOB-related disorders.
Cardiovascular phenotype. Identifiers: MedGen CN230736.
Familial hypobetalipoproteinemia 1. Also called: Hypobetalipoproteinemia, normotriglyceridemic; Acanthocytosis with hypobetalipoproteinemia; APOB-Related Familial Hypobetalipoproteinemia. Identifiers: MedGen C4551990, MONDO:0014252, OMIM 615558.
Hypercholesterolemia, autosomal dominant, type B (FHCL2). Also called: APOB-Related Familial Hypercholesterolemia, Autosomal Dominant; APOLIPOPROTEIN B-100, FAMILIAL DEFECTIVE; APOLIPOPROTEIN B-100, FAMILIAL LIGAND-DEFECTIVE; Familial hypercholesterolemia 2; Familial Hypercholesterolemia Type B; Hyperlipoproteinemia Type IIb. Identifiers: MedGen C1704417, MONDO:0007751, OMIM 144010.

Allele frequency attached by ClinVar (database versions not stated): ExAC 0.00061; gnomAD exomes 0.00064 and 0.00123; gnomAD 0.00083 and 0.00093; TOPMed 0.00088; ESP Exome Variant Server 0.00092.
gnomAD v4.1: 1,888 of 1,614,072 alleles (0.12%); highest among the groups gnomAD compares: Non-Finnish European, 0.15%; 2 homozygotes.

Submissions (12):

Labcorp Genetics (formerly Invitae), Labcorp
Classification: Likely benign for Familial hypobetalipoproteinemia 1; Hypercholesterolemia, autosomal dominant, type B. Last evaluated: 2026-02-01. Review status: criteria provided, single submitter. Criteria: Invitae Variant Classification Sherloc (09022015). Collection method: clinical testing. Allele origin: germline.

CeGaT Center for Human Genetics Tuebingen
Classification: Likely benign. Last evaluated: 2025-01-01. Review status: criteria provided, single submitter. Criteria: CeGaT Center For Human Genetics Tuebingen Variant Classification Criteria Version 2. Collection method: clinical testing. Allele origin: germline. Affected: yes. Observed: 2 variant alleles.
Comment: APOB: BP4

Mayo Clinic Laboratories, Mayo Clinic
Classification: Likely benign. Last evaluated: 2024-10-22. Review status: criteria provided, single submitter. Criteria: ACMG Guidelines, 2015. Collection method: clinical testing. Allele origin: germline. Observed: 4 variant alleles.
Comment: BS1, BP4

Blueprint Genetics
Classification: Likely benign. Last evaluated: 2024-10-09. Review status: criteria provided, single submitter. Criteria: ACMG Guidelines, 2015. Collection method: clinical testing. Allele origin: germline.

ARUP Laboratories, Molecular Genetics and Genomics, ARUP Laboratories
Classification: Likely benign. Last evaluated: 2023-11-15. Review status: criteria provided, single submitter. Criteria: ARUP Molecular Germline Variant Investigation Process 2024. Collection method: clinical testing. Allele origin: germline.

Quest Diagnostics Nichols Institute San Juan Capistrano
Classification: Likely benign. Last evaluated: 2022-11-23. Review status: criteria provided, single submitter. Criteria: Quest Diagnostics criteria. Collection method: clinical testing. Allele origin: unknown.

Ambry Genetics
Classification: Likely benign for Cardiovascular phenotype. Last evaluated: 2018-09-28. Review status: criteria provided, single submitter. Criteria: Ambry Variant Classification Scheme 2023. Collection method: clinical testing. Allele origin: germline.

GeneDx
Classification: Likely benign. Last evaluated: 2017-10-19. Review status: criteria provided, single submitter. Criteria: GeneDx Variant Classification (06012015). Collection method: clinical testing. Allele origin: germline. Affected: yes.
Comment: This variant is considered likely benign or benign based on one or more of the following criteria: it is a conservative change, it occurs at a poorly conserved position in the protein, it is predicted to be benign by multiple in silico algorithms, and/or has population frequency not consistent with disease.

PreventionGenetics, part of Exact Sciences
Classification: Likely benign for APOB-related condition. Last evaluated: 2021-04-07. Review status: no assertion criteria provided. Collection method: clinical testing. Allele origin: germline. Not counted in ClinVar's aggregate classification.
Comment: This variant is classified as likely benign based on ACMG/AMP sequence variant interpretation guidelines (Richards et al. 2015 PMID: 25741868, with internal and published modifications).

Clinical Genetics DNA and cytogenetics Diagnostics Lab, Erasmus MC, Erasmus Medical Center
Classification: Likely benign. Review status: no assertion criteria provided. Collection method: clinical testing. Allele origin: germline. Affected: yes. Study: VKGL Data-share Consensus. Not counted in ClinVar's aggregate classification.

Clinical Genetics, Academic Medical Center
Classification: Benign. Review status: no assertion criteria provided. Collection method: clinical testing. Allele origin: germline. Affected: yes. Study: VKGL Data-share Consensus. Not counted in ClinVar's aggregate classification.

Diagnostic Laboratory, Department of Genetics, University Medical Center Groningen
Classification: Likely benign. Review status: no assertion criteria provided. Collection method: clinical testing. Allele origin: germline. Affected: yes. Study: VKGL Data-share Consensus. Not counted in ClinVar's aggregate classification.

NM_000384.3(APOB):c.4838G>C (p.Ser1613Thr)

Gene: APOB (apolipoprotein B; minus strand). Cytogenetic location: 2p24.1.
Variant type: single nucleotide variant.
Coding change: c.4838G>C on transcript NM_000384.3 (MANE Select); coding-DNA position 4838, G replaced by C.
Protein change: p.Ser1613Thr; replaces serine 1613 with threonine.
Molecular consequence: missense variant.
Genome position (GRCh38, 1-based): chr2:21,012,030, C>G on the plus strand (G>C on the coding strand, the complement: APOB is on the minus strand). VCF-style: chr2-21012030-C-G. GRCh37 (hg19) VCF-style: chr2-21234902-C-G.
Other names: p.Ser1613Thr; short protein forms S1613T.
Identifiers: ClinVar variation 412956 (VCV000412956.100), dbSNP rs61742247, ClinGen allele CA061314.